The following is an entry in ClinVar:

ClinVar aggregate classification (germline): Likely benign. Review status: criteria provided, multiple submitters, no conflicts (2 of 4 stars). 2 submissions from 2 submitters: Likely benign (2). Last evaluated 2025-09-05.

Conditions:
Kufor-Rakeb syndrome (KRS). Also called: PARKINSON DISEASE 9, AUTOSOMAL RECESSIVE, JUVENILE-ONSET. Identifiers: Orphanet 306674, Orphanet 314632, MedGen C1847640, MONDO:0011706, OMIM 606693.
Autosomal recessive spastic paraplegia type 78. Identifiers: Orphanet 513436, MedGen C5567893, MONDO:0014975, OMIM 617225.

Allele frequency attached by ClinVar (database versions not stated): gnomAD 0.00002 and 0.00003; gnomAD exomes 0.00002; TOPMed 0.00002; ESP Exome Variant Server 0.00015.
gnomAD v4.1: 40 of 1,601,450 alleles (0.0025%); highest among the groups gnomAD compares: Middle Eastern, 0.017%; no homozygotes.

Submissions (2):

Labcorp Genetics (formerly Invitae), Labcorp
Classification: Likely benign for Kufor-Rakeb syndrome; Autosomal recessive spastic paraplegia type 78. Last evaluated: 2025-09-05. Review status: criteria provided, single submitter. Criteria: Invitae Variant Classification Sherloc (09022015). Collection method: clinical testing. Allele origin: germline.

CeGaT Center for Human Genetics Tuebingen
Classification: Likely benign. Last evaluated: 2023-08-01. Review status: criteria provided, single submitter. Criteria: CeGaT Center For Human Genetics Tuebingen Variant Classification Criteria Version 2. Collection method: clinical testing. Allele origin: germline. Affected: yes. Observed: 1 variant allele.
Comment: ATP13A2: BP4, BP7

NM_022089.4(ATP13A2):c.2478C>T (p.Ser826=)

Gene: ATP13A2 (ATPase cation transporting 13A2; minus strand). Cytogenetic location: 1p36.13.
Variant type: single nucleotide variant.
Coding change: c.2478C>T on transcript NM_022089.4 (MANE Select); coding-DNA position 2478, C replaced by T.
Protein change: p.Ser826=; no amino-acid change (serine 826 retained).
Molecular consequence: synonymous variant. On other transcripts: intron variant (1).
Genome position (GRCh38, 1-based): chr1:16,989,938, G>A on the plus strand (C>T on the coding strand, the complement: ATP13A2 is on the minus strand). VCF-style: chr1-16989938-G-A. GRCh37 (hg19) VCF-style: chr1-17316433-G-A.
Other names: c.2463C>T, p.Ser821= (NM_001141973.3); c.2398-168C>T (NM_001141974.3).
Identifiers: ClinVar variation 1631445 (VCV001631445.32), dbSNP rs147611385, ClinGen allele CA636818.